The following is an entry in ClinVar:

ClinVar aggregate classification (germline): Likely pathogenic (1 of 4 stars; one submission).

Conditions:
Oculocutaneous albinism type 1B (OCA1B). Also called: YELLOW ALBINISM; ALBINISM, OCULOCUTANEOUS, TYPE IB; ALBINISM, YELLOW MUTANT TYPE. Identifiers: Orphanet 352731, Orphanet 352737, Orphanet 79434, MedGen C1847024, MONDO:0011749, OMIM 606952.

Submission:

Gemeinschaftspraxis fuer Humangenetik Dresden
Classification: Likely pathogenic for Oculocutaneous albinism type 1B. Last evaluated: 2025-02-20. Review status: criteria provided, single submitter. Criteria: ACMG Guidelines, 2015. Collection method: clinical testing. Allele origin: biparental. Inheritance: Autosomal recessive inheritance. Affected: yes.
Comment: This variant is listed in HGMD® (Professional 2025.1, CM181959) as pathogenic for oculocutaneous albinism (3 references). On the same aminoacid position p.(Cys103Arg) is described as pathogenic for OCA1 (CM181958). The variant is not listed in dbSNP or gnomAD. It is also not reported in ClinVar and LOVD (we submitted there). The nucleotide and amino acid position are highly conserved and computational prediction tools unanimously support a deleterious effect (REVEL: 0.815, AGVGD: Class C65, PP-2: probably damaging, SIFT: deleterious, MutationTaster: deleterious). In summary, the variant should currently be classified as likely pathogenic (PM2, PM5, PP2, PP3). Mutation was detected in trans to haplotyp cis-YQ Allel (c.575C>A, p.(Ser192Tyr) AND c.1205G>A, p.(Arg402Gln)).

Literature cited by the submitters: PubMed 29345414; PubMed 30996339; PubMed 32552135.

NM_000372.5(TYR):c.308G>A (p.Cys103Tyr)

Gene: TYR (tyrosinase; plus strand). Cytogenetic location: 11q14.3.
Variant type: single nucleotide variant.
Coding change: c.308G>A on transcript NM_000372.5 (MANE Select); coding-DNA position 308, G replaced by A.
Protein change: p.Cys103Tyr; replaces cysteine 103 with tyrosine.
Molecular consequence: missense variant.
Genome position (GRCh38, 1-based): chr11:89,178,261, G>A. VCF-style: chr11-89178261-G-A. GRCh37 (hg19) VCF-style: chr11-88911429-G-A.
Other names: short protein forms C103Y.
Identifiers: ClinVar variation 3897934 (VCV003897934.1).